The following is an entry in ClinVar:

ClinVar aggregate classification (germline): Uncertain significance (1 of 4 stars; one submission).

Conditions:
Developmental and epileptic encephalopathy, 54. Also called: Epileptic encephalopathy, early infantile, 54; HNRNPU-Related Neurodevelopmental Disorder. Identifiers: MedGen C4479319, MONDO:0033363, OMIM 617391.

Allele frequency attached by ClinVar (database versions not stated): gnomAD exomes below 0.00001; gnomAD 0.00001.
gnomAD v4.1: 2 of 1,560,490 alleles (0.00013%); highest among the groups gnomAD compares: Admixed American, 0.0033%; no homozygotes.

Submission:

Labcorp Genetics (formerly Invitae), Labcorp
Classification: Uncertain significance for Developmental and epileptic encephalopathy, 54. Last evaluated: 2023-10-17. Review status: criteria provided, single submitter. Criteria: Invitae Variant Classification Sherloc (09022015). Collection method: clinical testing. Allele origin: germline.
Comment: This sequence change replaces proline, which is neutral and non-polar, with leucine, which is neutral and non-polar, at codon 345 of the HNRNPU protein (p.Pro345Leu). This variant is present in population databases (no rsID available, gnomAD 0.003%). This variant has not been reported in the literature in individuals affected with HNRNPU-related conditions. Advanced modeling of protein sequence and biophysical properties (such as structural, functional, and spatial information, amino acid conservation, physicochemical variation, residue mobility, and thermodynamic stability) performed at Invitae indicates that this missense variant is expected to disrupt HNRNPU protein function. In summary, the available evidence is currently insufficient to determine the role of this variant in disease. Therefore, it has been classified as a Variant of Uncertain Significance.

NM_031844.3(HNRNPU):c.1034C>T (p.Pro345Leu)

Gene: HNRNPU (heterogeneous nuclear ribonucleoprotein U; minus strand). Cytogenetic location: 1q44.
Variant type: single nucleotide variant.
Coding change: c.1034C>T on transcript NM_031844.3 (MANE Select); coding-DNA position 1034, C replaced by T.
Protein change: p.Pro345Leu; replaces proline 345 with leucine.
Molecular consequence: missense variant.
Genome position (GRCh38, 1-based): chr1:244,859,358, G>A on the plus strand (C>T on the coding strand, the complement: HNRNPU is on the minus strand). VCF-style: chr1-244859358-G-A. GRCh37 (hg19) VCF-style: chr1-245022660-G-A.
Other names: c.977C>T, p.Pro326Leu (NM_004501.3); short protein forms P326L, P345L.
Identifiers: ClinVar variation 2887237 (VCV002887237.3), dbSNP rs1298865067, ClinGen allele CA345493376.